The following is an entry in ClinVar:

ClinVar aggregate classification (germline): Likely benign (1 of 4 stars; one submission).

Conditions:
Nicolaides-Baraitser syndrome (NCBRS). Also called: SMARCA2-Related Nicolaides-Baraitser Syndrome; Intellectual disability-sparse hair-brachydactyly syndrome. Identifiers: Orphanet 3051, MedGen C1303073, MONDO:0011053, OMIM 601358.

Allele frequency attached by ClinVar (database versions not stated): gnomAD 0.00001 and 0.00002; TOPMed 0.00001; ExAC 0.00006; gnomAD exomes 0.00007.
gnomAD v4.1: 55 of 1,555,840 alleles (0.0035%); highest among the groups gnomAD compares: South Asian, 0.052%; no homozygotes.

Submission:

Illumina Laboratory Services, Illumina
Classification: Likely benign for Nicolaides-Baraitser syndrome. Last evaluated: 2018-01-12. Review status: criteria provided, single submitter. Criteria: ICSL Variant Classification Criteria 13 December 2019. Collection method: clinical testing. Allele origin: germline.
Comment: This variant was observed in the ICSL laboratory as part of a predisposition screen in an ostensibly healthy population. It had not been previously curated by ICSL or reported in the Human Gene Mutation Database (HGMD: prior to June 1st, 2018), and was therefore a candidate for classification through an automated scoring system. Utilizing variant allele frequency, disease prevalence and penetrance estimates, and inheritance mode, an automated score was calculated to assess if this variant is too frequent to cause the disease. Based on the score and internal cut-off values, a variant classified as likely benign is not then subjected to further curation. The score for this variant resulted in a classification of likely benign for this disease.

NM_003070.5(SMARCA2):c.*29C>T

Gene: SMARCA2 (SWI/SNF related BAF chromatin remodeling complex subunit ATPase 2; plus strand). Cytogenetic location: 9p24.3.
Variant type: single nucleotide variant.
Coding change: c.*29C>T on transcript NM_003070.5 (MANE Select); 29 bases downstream of the stop codon, C replaced by T.
Molecular consequence: 3 prime UTR variant.
Genome position (GRCh38, 1-based): chr9:2,192,768, C>T. VCF-style: chr9-2192768-C-T. GRCh37 (hg19) VCF-style: chr9-2192768-C-T.
Other names: c.*29C>T (NM_001289396.2, NM_001289397.2, NM_001289398.2 and 3 more transcripts).
Identifiers: ClinVar variation 366331 (VCV000366331.5), dbSNP rs758742198, ClinGen allele CA4964360.